The following is an entry in ClinVar:

ClinVar aggregate classification (germline): Pathogenic. Review status: reviewed by expert panel (3 of 4 stars). 9 submissions from 9 submitters: Pathogenic (1). 8 of the submissions do not count toward it. Last evaluated 2016-09-08.

Conditions:
Hereditary cancer-predisposing syndrome. Also called: Neoplastic Syndromes, Hereditary; Tumor predisposition; Hereditary neoplastic syndrome; Hereditary Cancer Syndrome. Identifiers: Orphanet 140162, MedGen C0027672, MeSH D009386, MONDO:0015356.
Hereditary breast ovarian cancer syndrome. Also called: Hereditary breast and ovarian cancer syndrome; Hereditary breast and ovarian cancer; Hereditary breast and ovarian cancer syndrome (HBOC); Breast and ovarian cancer; Hereditary breast and/or ovarian cancer syndrome; BRCA1- and BRCA2-Associated Hereditary Breast and Ovarian Cancer. Identifiers: Orphanet 145, MedGen C0677776, MeSH D061325, MONDO:0003582. Disease mechanism: loss of function.
Breast-ovarian cancer, familial, susceptibility to, 2 (BROVCA2). Also called: BRCA2 Hereditary Breast and Ovarian Cancer. Identifiers: Orphanet 145, MedGen C2675520, MONDO:0012933, OMIM 612555. Disease mechanism: loss of function.

Submissions (9):

Evidence-based Network for the Interpretation of Germline Mutant Alleles (ENIGMA)
Classification: Pathogenic for Breast-ovarian cancer, familial, susceptibility to, 2. Last evaluated: 2016-09-08. Review status: reviewed by expert panel. Criteria: ENIGMA BRCA1/2 Classification Criteria (2015). Collection method: curation. Allele origin: germline.
Comment: Variant allele predicted to encode a truncated non-functional protein.

Quest Diagnostics Nichols Institute San Juan Capistrano
Classification: Likely pathogenic. Last evaluated: 2025-05-27. Review status: criteria provided, single submitter. Criteria: Quest Diagnostics criteria. Collection method: clinical testing. Allele origin: unknown. Not counted in ClinVar's aggregate classification.
Comment: The BRCA2 c.6201del (p.Ile2068Phefs*2) variant alters the translational reading frame of the BRCA2 mRNA and is predicted to cause the premature termination of BRCA2 protein synthesis. This variant has been reported in the published literature in individuals with breast cancer (PMID: 12097257 (2002), 12491499 (2003), 29446198 (2018)). This variant has not been reported in large, multi-ethnic general populations (Genome Aggregation Database). Based on the available information, this variant is classified as likely pathogenic.

Ambry Genetics
Classification: Pathogenic for Hereditary cancer-predisposing syndrome. Last evaluated: 2025-02-10. Review status: criteria provided, single submitter. Criteria: Ambry Variant Classification Scheme 2023. Collection method: clinical testing. Allele origin: germline. Not counted in ClinVar's aggregate classification.
Comment: The c.6201delC pathogenic mutation, located in coding exon 10 of the BRCA2 gene, results from a deletion of one nucleotide at position 6201, causing a translational frameshift with a predicted alternate stop codon (p.I2068Ffs*2). This alteration has been previously reported in cohorts of women with hereditary breast cancer in studies evaluating differences in pathology and breast cancer progression in women with BRCA1 and BRCA2 mutations compared to women with sporadic breast cancer (Adem C et al. Cancer 2003 Jan;97(1):1-11; Sinclair CS et al. Cancer Res. 2002 Jul;62(13):3587-91). Of note, this alteration is also designated as 6429delC in published literature. In addition to the clinical data presented in the literature, this alteration is expected to result in loss of function by premature protein truncation or nonsense-mediated mRNA decay. As such, this alteration is interpreted as a disease-causing mutation.

Labcorp Genetics (formerly Invitae), Labcorp
Classification: Pathogenic for Hereditary breast ovarian cancer syndrome. Last evaluated: 2023-11-27. Review status: criteria provided, single submitter. Criteria: Invitae Variant Classification Sherloc (09022015). Collection method: clinical testing. Allele origin: germline. Not counted in ClinVar's aggregate classification.
Comment: This sequence change creates a premature translational stop signal (p.Ile2068Phefs*2) in the BRCA2 gene. It is expected to result in an absent or disrupted protein product. Loss-of-function variants in BRCA2 are known to be pathogenic (PMID: 20104584). This variant is not present in population databases (gnomAD no frequency). This premature translational stop signal has been observed in individual(s) with breast cancer (PMID: 12491499). This variant is also known as 6429delC. ClinVar contains an entry for this variant (Variation ID: 52029). For these reasons, this variant has been classified as Pathogenic.

GeneDx
Classification: Pathogenic. Last evaluated: 2020-09-14. Review status: criteria provided, single submitter. Criteria: GeneDx Variant Classification Process June 2021. Collection method: clinical testing. Allele origin: germline. Affected: yes. Not counted in ClinVar's aggregate classification.
Comment: Frameshift variant predicted to result in protein truncation or nonsense mediated decay in a gene for which loss-of-function is a known mechanism of disease; Not observed in large population cohorts (Lek 2016); Truncating variants in this gene are considered pathogenic by a well-established clinical consortium and/or database; Also known as 6429delC; Observed in individuals with BRCA2-related cancers (Adem 2003); This variant is associated with the following publications: (PMID: 12491499, 29446198)

Color Diagnostics, LLC DBA Color Health
Classification: Pathogenic for Hereditary cancer-predisposing syndrome. Last evaluated: 2020-01-15. Review status: criteria provided, single submitter. Criteria: ACMG Guidelines, 2015. Collection method: clinical testing. Allele origin: germline. Not counted in ClinVar's aggregate classification.
Comment: This variant deletes 1 nucleotide in exon 11 of the BRCA2 gene, creating a frameshift and premature translation stop signal. This variant is expected to result in an absent or non-functional protein product. This variant has not been identified in the general population by the Genome Aggregation Database (gnomAD). Loss of BRCA2 function is a known mechanism of disease. Based on the available evidence, this variant is classified as Pathogenic.

Women's Health and Genetics/Laboratory Corporation of America, LabCorp
Classification: Pathogenic for Hereditary breast and ovarian cancer syndrome. Last evaluated: 2019-03-04. Review status: criteria provided, single submitter. Criteria: LabCorp Variant Classification Summary - May 2015. Collection method: clinical testing. Allele origin: germline. Not counted in ClinVar's aggregate classification.
Comment: Variant summary: BRCA2 c.6201delC (p.Ile2068PhefsX2) results in a premature termination codon, predicted to cause a truncation of the encoded protein or absence of the protein due to nonsense mediated decay, which are commonly known mechanisms for disease. Truncations downstream of this position have been classified as pathogenic by our laboratory (eg. c.8673_8674delAA (p.Arg2892fsX14) and c.8777T>A (p.Leu2926X)). The variant was absent in 245150 control chromosomes (gnomAD). c.6201delC has been reported in the literature in individuals affected with Hereditary Breast and Ovarian Cancer (Adem_2003, Rebbeck_2018). These data indicate that the variant is likely to be associated with disease. To our knowledge, no experimental evidence demonstrating an impact on protein function has been reported. Three ClinVar submssions from clinical diagnostic laboratories (evaluation after 2014) cite the variant as pathogenic. Based on the evidence outlined above, the variant was classified as pathogenic.

Consortium of Investigators of Modifiers of BRCA1/2 (CIMBA), c/o University of Cambridge
Classification: Pathogenic for Breast-ovarian cancer, familial, susceptibility to, 2. Last evaluated: 2015-10-02. Review status: criteria provided, single submitter. Criteria: CIMBA Mutation Classification guidelines May 2016. Collection method: clinical testing. Allele origin: germline. Not counted in ClinVar's aggregate classification.

Breast Cancer Information Core (BIC) (BRCA2)
Classification: Pathogenic for Breast-ovarian cancer, familial 2. Last evaluated: 2002-05-29. Review status: no assertion criteria provided. Collection method: clinical testing. Allele origin: germline. Affected: yes. Observed: 2 variant alleles. Not counted in ClinVar's aggregate classification.

Literature cited by the submitters: PubMed 29446198 (cited by Quest Diagnostics Nichols Institute San Juan Capistrano and Women's Health and Genetics/Laboratory Corporation of America, LabCorp); PubMed 12097257 (cited by Quest Diagnostics Nichols Institute San Juan Capistrano and Ambry Genetics); PubMed 12491499 (cited by 4 submitters); PubMed 20104584 (cited by Labcorp Genetics (formerly Invitae), Labcorp).

NM_000059.4(BRCA2):c.6201del (p.Ile2068fs)

Gene: BRCA2 (BRCA2 DNA repair associated; plus strand). Cytogenetic location: 13q13.1.
Variant type: Deletion.
Coding change: c.6201del on transcript NM_000059.4 (MANE Select); coding-DNA position 6201, one base deleted (C; older notation c.6201delC).
Protein change: p.Ile2068fs; shifts the reading frame from isoleucine 2068.
Molecular consequence: frameshift variant.
Genome position (GRCh38, 1-based): chr13:32,340,556, C deleted; the last of 2 consecutive C bases (chr13:32,340,555-32,340,556); deleting either gives the same sequence. VCF-style (leftmost placement, unchanged base first): chr13-32340554-TC-T. GRCh37 (hg19) VCF-style: chr13-32914691-TC-T.
Other names: 6429delC; c.6201delC (NM_000059.3).
Identifiers: ClinVar variation 52029 (VCV000052029.25), dbSNP rs80359565, ClinGen allele CA023737.
Genomic context (GRCh38, chr13:32,340,554, plus strand): 5'-TATAATGTGGTAAATTCATCTGCTTTCTCTGGATTTAGTACAGCAAGTGGAAAGCAAGTT[TC>T]CATTTTAGAAAGTTCCTTACACAAAGTTAAGGGAGTGTTAGAGGAATTTGATTTAATCAG-3'